The following is an entry in ClinVar:

NM_006904.7(PRKDC):c.7436G>T (p.Trp2479Leu)

Gene: PRKDC (protein kinase, DNA-activated, catalytic subunit; minus strand). Cytogenetic location: 8q11.21.
Variant type: single nucleotide variant.
Coding change: c.7436G>T on transcript NM_006904.7 (MANE Select); coding-DNA position 7436, G replaced by T.
Protein change: p.Trp2479Leu; replaces tryptophan 2479 with leucine.
Molecular consequence: missense variant.
Genome position (GRCh38, 1-based): chr8:47,840,034, C>A on the plus strand (G>T on the coding strand, the complement: PRKDC is on the minus strand). VCF-style: chr8-47840034-C-A. GRCh37 (hg19) VCF-style: chr8-48752595-C-A.
Other names: c.7436G>T, p.Trp2479Leu (NM_001081640.2); short protein forms W2479L.
Identifiers: ClinVar variation 3225907 (VCV003225907.1), dbSNP rs2551867907, ClinGen allele CA371155075.

ClinVar aggregate classification (germline): Uncertain significance (1 of 4 stars; one submission).

Submission:

Ambry Genetics
Classification: Uncertain significance. Last evaluated: 2023-12-14. Review status: criteria provided, single submitter. Criteria: Ambry Variant Classification Scheme 2023. Collection method: clinical testing. Allele origin: germline.
Comment: The p.W2479L variant (also known as c.7436G>T), located in coding exon 55 of the PRKDC gene, results from a G to T substitution at nucleotide position 7436. The tryptophan at codon 2479 is replaced by leucine, an amino acid with similar properties. This amino acid position is conserved. In addition, this alteration is predicted to be deleterious by in silico analysis. Since supporting evidence is limited at this time, the clinical significance of this alteration remains unclear.